The following is an entry in ClinVar:

Conditions:
Breast-ovarian cancer, familial, susceptibility to, 1 (BROVCA1). Also called: BRCA1 Hereditary Breast and Ovarian Cancer; OVARIAN CANCER, SUSCEPTIBILITY TO. Identifiers: Orphanet 145, MedGen C2676676, MONDO:0011450, OMIM 604370. Disease mechanism: loss of function.

Submission:

Brotman Baty Institute, University of Washington
No classification provided (evidence only). Condition: Breast-ovarian cancer, familial 1. Review status: no classification provided. Collection method: in vitro. Allele origin: not applicable. Functional consequence: functionally_normal.
ClinVar note: "not provided" was previously submitted as the classification for the variant. However, the classification appeared to be based only on an observation of functional data so it was converted to no classification on 2025-07-30.

NM_007294.4(BRCA1):c.225A>T (p.Glu75Asp)

Gene: BRCA1 (BRCA1 DNA repair associated; minus strand). Cytogenetic location: 17q21.31.
Variant type: single nucleotide variant.
Coding change: c.225A>T on transcript NM_007294.4 (MANE Select); coding-DNA position 225, A replaced by T.
Protein change: p.Glu75Asp; replaces glutamic acid 75 with aspartic acid.
Molecular consequence: missense variant. On other transcripts: non-coding transcript variant (1).
Genome position (GRCh38, 1-based): chr17:43,104,944, T>A on the plus strand (A>T on the coding strand, the complement: BRCA1 is on the minus strand). VCF-style: chr17-43104944-T-A. GRCh37 (hg19) VCF-style: chr17-41256961-T-A.
Other names: c.225A>T, p.Glu75Asp (NM_001407582.1, NM_001407583.1, NM_001407585.1 and 168 more transcripts); c.147A>T, p.Glu49Asp (NM_001407653.1, NM_001407654.1, NM_001407655.1 and 21 more transcripts); c.84A>T, p.Glu28Asp (NM_001407692.1, NM_001407694.1, NM_001407695.1 and 99 more transcripts); c.15A>T, p.Glu5Asp (NM_001407853.1, NM_001407879.1, NM_001407881.1 and 58 more transcripts); c.-157A>T (NM_001407959.1, NM_001407960.1, NM_001407962.1 and 4 more transcripts); c.93A>T, p.Glu31Asp (NM_001408451.1); short protein forms E28D, E75D, E5D, E31D, E49D.
Identifiers: ClinVar variation 867983 (VCV000867983.3), dbSNP rs2054695634, ClinGen allele CA10601711.
Genomic context (GRCh38, chr17:43,104,944, plus strand): 5'-AAGCTGAAAAGCACAAATGATTTTCAATAGCTCTTCAACAAGTTGACTAAATCTCGTACT[T>A]TCTTGTAGGCTCCTGAAATTAAATTGTTTGAGAAACACACTCAGCAAGTGATTATCAACC-3'
Protein context (NP_009225.1, residues 65-85): KNDITKRSLQ[Glu75Asp]STRFSQLVEE